The following is an entry in ClinVar:

ClinVar aggregate classification (germline): Uncertain significance (1 of 4 stars; one submission).

Conditions:
CHD5-related disorder. Also called: CHD5-related condition.

gnomAD v4.1: 1 of 1,614,032 alleles (0.000062%); highest among the groups gnomAD compares: African/African-American, 0.0013%; no homozygotes.

Submission:

PreventionGenetics, part of Exact Sciences
Classification: Uncertain significance for CHD5-related condition. Last evaluated: 2026-09-05. Review status: criteria provided, single submitter. Criteria: ACMG Guidelines, 2015. Collection method: clinical testing. Allele origin: germline.
Comment: The CHD5 c.2601G>T variant is predicted to result in the amino acid substitution p.Lys867Asn. To our knowledge, this variant has not been reported in the literature or in a large population database (gnomAD), indicating this variant is rare. At this time, the clinical significance of this variant is uncertain due to the absence of conclusive functional and genetic evidence.

NM_015557.3(CHD5):c.2601G>T (p.Lys867Asn)

Gene: CHD5 (chromodomain helicase DNA binding protein 5; minus strand). Cytogenetic location: 1p36.31.
Variant type: single nucleotide variant.
Coding change: c.2601G>T on transcript NM_015557.3 (MANE Select); coding-DNA position 2601, G replaced by T.
Protein change: p.Lys867Asn; replaces lysine 867 with asparagine.
Molecular consequence: missense variant.
Genome position (GRCh38, 1-based): chr1:6,136,612, C>A on the plus strand (G>T on the coding strand, the complement: CHD5 is on the minus strand). VCF-style: chr1-6136612-C-A. GRCh37 (hg19) VCF-style: chr1-6196672-C-A.
Other names: short protein forms K867N.
Identifiers: ClinVar variation 4992765 (VCV004992765.1).